The following is an entry in ClinVar:

ClinVar aggregate classification (germline): Conflicting classifications of pathogenicity. Review status: criteria provided, conflicting classifications (1 of 4 stars). 3 submissions from 3 submitters: Uncertain significance (1); Likely benign (2). Last evaluated 2022-03-09.

Conditions:
Cardiovascular phenotype. Identifiers: MedGen CN230736.
Duchenne muscular dystrophy (DMD). Also called: MUSCULAR DYSTROPHY, PSEUDOHYPERTROPHIC PROGRESSIVE, DUCHENNE TYPE; Duchenne Muscular Dystrophy (DMD). Identifiers: Orphanet 98896, MedGen C0013264, MONDO:0010679, OMIM 310200.

Allele frequency attached by ClinVar (database versions not stated): TOPMed 0.00001; gnomAD 0.00002; gnomAD exomes 0.00002.
gnomAD v4.1: 21 of 1,207,521 alleles (0.0017%); highest among the groups gnomAD compares: Non-Finnish European, 0.0022%; no homozygotes.

Submissions (3):

Labcorp Genetics (formerly Invitae), Labcorp
Classification: Uncertain significance for Duchenne muscular dystrophy. Last evaluated: 2022-03-09. Review status: criteria provided, single submitter. Criteria: Invitae Variant Classification Sherloc (09022015). Collection method: clinical testing. Allele origin: germline.
Comment: ClinVar contains an entry for this variant (Variation ID: 681666). This missense change has been observed in individual(s) with clinical features of DMD-related conditions (PMID: 21520333). This variant is not present in population databases (gnomAD no frequency). This sequence change replaces glutamine, which is neutral and polar, with histidine, which is basic and polar, at codon 2319 of the DMD protein (p.Gln2319His). In summary, the available evidence is currently insufficient to determine the role of this variant in disease. Therefore, it has been classified as a Variant of Uncertain Significance. Algorithms developed to predict the effect of missense changes on protein structure and function output the following: SIFT: "Tolerated"; PolyPhen-2: "Benign"; Align-GVGD: "Class C0". The histidine amino acid residue is found in multiple mammalian species, which suggests that this missense change does not adversely affect protein function.

Ambry Genetics
Classification: Likely benign for Cardiovascular phenotype. Last evaluated: 2019-07-29. Review status: criteria provided, single submitter. Criteria: Ambry Variant Classification Scheme 2023. Collection method: clinical testing. Allele origin: germline.

GeneDx
Classification: Likely benign. Last evaluated: 2018-04-09. Review status: criteria provided, single submitter. Criteria: GeneDx Variant Classification (06012015). Collection method: clinical testing. Allele origin: germline. Affected: yes.
Comment: This variant is considered likely benign or benign based on one or more of the following criteria: it is a conservative change, it occurs at a poorly conserved position in the protein, it is predicted to be benign by multiple in silico algorithms, and/or has population frequency not consistent with disease.

Literature cited by the submitters: PubMed 21520333 (cited by Labcorp Genetics (formerly Invitae), Labcorp).

NM_004006.3(DMD):c.6957A>C (p.Gln2319His)

Gene: DMD (dystrophin; minus strand). Cytogenetic location: Xp21.1.
Variant type: single nucleotide variant.
Coding change: c.6957A>C on transcript NM_004006.3 (MANE Select); coding-DNA position 6957, A replaced by C.
Protein change: p.Gln2319His; replaces glutamine 2319 with histidine.
Molecular consequence: missense variant. On other transcripts: 5 prime UTR variant (5).
Genome position (GRCh38, 1-based): chrX:31,875,329, T>G on the plus strand (A>C on the coding strand, the complement: DMD is on the minus strand). VCF-style: chrX-31875329-T-G. GRCh37 (hg19) VCF-style: chrX-31893446-T-G.
Other names: c.6933A>C, p.Gln2311His (NM_000109.4); c.6945A>C, p.Gln2315His (NM_004009.3); c.6588A>C, p.Gln2196His (NM_004010.3); c.2934A>C, p.Gln978His (NM_004011.4); c.2925A>C, p.Gln975His (NM_004012.4); c.-424A>C (NM_004013.3, NM_004020.4, NM_004021.3 and 2 more transcripts); short protein forms Q2311H, Q2315H, Q2319H, Q975H, Q2196H, Q978H.
Identifiers: ClinVar variation 681666 (VCV000681666.12), dbSNP rs1603514135, ClinGen allele CA412660177.